The following is an entry in ClinVar:

NM_001754.5(RUNX1):c.293T>C (p.Leu98Pro)

Gene: RUNX1 (RUNX family transcription factor 1; minus strand). Cytogenetic location: 21q22.12.
Variant type: single nucleotide variant.
Coding change: c.293T>C on transcript NM_001754.5 (MANE Select); coding-DNA position 293, T replaced by C.
Protein change: p.Leu98Pro; replaces leucine 98 with proline.
Molecular consequence: missense variant.
Genome position (GRCh38, 1-based): chr21:34,886,901, A>G on the plus strand (T>C on the coding strand, the complement: RUNX1 is on the minus strand). VCF-style: chr21-34886901-A-G. GRCh37 (hg19) VCF-style: chr21-36259198-A-G.
Other names: NM_001754.5:c.293T>C; c.212T>C, p.Leu71Pro (NM_001001890.3, NM_001122607.2); short protein forms L71P, L98P.
Identifiers: ClinVar variation 3367216 (VCV003367216.2).

ClinVar aggregate classification (germline): Uncertain significance (3 of 4 stars; one submission).

Conditions:
Hereditary thrombocytopenia and hematologic cancer predisposition syndrome. Identifiers: Orphanet 71290, MedGen CN281654, MONDO:0011071.

Submission:

ClinGen Myeloid Malignancy Variant Curation Expert Panel
Classification: Uncertain significance for Hereditary thrombocytopenia and hematologic cancer predisposition syndrome. Last evaluated: 2024-10-29. Review status: reviewed by expert panel. Criteria: ClinGen MyeloMalig ACMG Specifications v2. Collection method: curation. Allele origin: germline. Inheritance: Autosomal dominant inheritance.
Comment: NM_001754.5(RUNX1):c.293T>C (p.Leu98Pro) is a missense variant which has a REVEL score ≥ 0.88 (0.934) (PP3). This variant affects one of the other residues (AA 89-204) within the RHD (PM1_Supporting). This variant is completely absent from all population databases with at least 20x coverage for RUNX1 (PM2_Supporting). In summary, the clinical significance of this variant is uncertain. ACMG/AMP criteria applied, as specified by the Myeloid Malignancy Variant Curation Expert Panel for RUNX1: PP3, PM1_supporting, PM2_supporting.